The following is an entry in ClinVar:

NM_001204.7(BMPR2):c.917A>G (p.His306Arg)

Gene: BMPR2 (bone morphogenetic protein receptor type 2; plus strand). Cytogenetic location: 2q33.2.
Variant type: single nucleotide variant.
Coding change: c.917A>G on transcript NM_001204.7 (MANE Select); coding-DNA position 917, A replaced by G.
Protein change: p.His306Arg; replaces histidine 306 with arginine.
Molecular consequence: missense variant.
Genome position (GRCh38, 1-based): chr2:202,520,151, A>G. VCF-style: chr2-202520151-A-G. GRCh37 (hg19) VCF-style: chr2-203384874-A-G.
Other names: short protein forms H306R.
Identifiers: ClinVar variation 4867658 (VCV004867658.1).

ClinVar aggregate classification (germline): Uncertain significance (1 of 4 stars; one submission).

Conditions:
Inborn genetic diseases. Identifiers: MedGen C0950123, MeSH D030342.

Submission:

Ambry Genetics
Classification: Uncertain significance for Inborn genetic diseases. Last evaluated: 2026-06-08. Review status: criteria provided, single submitter. Criteria: Ambry Variant Classification Scheme 2023. Collection method: clinical testing. Allele origin: germline.
Comment: The p.H306R variant (also known as c.917A>G), located in coding exon 7 of the BMPR2 gene, results from an A to G substitution at nucleotide position 917. The histidine at codon 306 is replaced by arginine, an amino acid with highly similar properties. This amino acid position is conserved. In addition, this alteration is predicted to be deleterious by in silico analysis. Based on the available evidence, the clinical significance of this variant remains unclear.